The following is an entry in ClinVar:

ClinVar aggregate classification (germline): Likely benign (0 of 4 stars; one submission).

Conditions:
SDK2-related disorder. Also called: SDK2-related condition.

gnomAD v4.1: 1 of 1,551,706 alleles (0.000064%); highest among the groups gnomAD compares: Non-Finnish European, 0.000087%; no homozygotes.

Submission:

PreventionGenetics, part of Exact Sciences
Classification: Likely benign for SDK2-related condition. Last evaluated: 2024-04-05. Review status: no assertion criteria provided. Collection method: clinical testing. Allele origin: germline.
Comment: This variant is classified as likely benign based on ACMG/AMP sequence variant interpretation guidelines (Richards et al. 2015 PMID: 25741868, with internal and published modifications).

NM_001144952.2(SDK2):c.96T>G (p.Pro32=)

Gene: SDK2 (sidekick cell adhesion molecule 2; minus strand). Cytogenetic location: 17q25.1.
Variant type: single nucleotide variant.
Coding change: c.96T>G on transcript NM_001144952.2 (MANE Select); coding-DNA position 96, T replaced by G.
Protein change: p.Pro32=; no amino-acid change (proline 32 retained).
Molecular consequence: synonymous variant.
Genome position (GRCh38, 1-based): chr17:73,507,566, A>C on the plus strand (T>G on the coding strand, the complement: SDK2 is on the minus strand). VCF-style: chr17-73507566-A-C. GRCh37 (hg19) VCF-style: chr17-71503705-A-C.
Identifiers: ClinVar variation 3351221 (VCV003351221.1).
Genomic context (GRCh38, chr17:73,507,566, plus strand): 5'-GCCCTCGGCCATGCATGTAAGCACCAGGCGGTTTCCTTCCAAGTGCACCTGTGTCCGCAC[A>C]GGCTCTGTCTTGAAATACGGGGACACATCATCTGCAGAAACAGGGAGACAAAGCCACCAG-3'
Protein context (NP_001138424.1, residues 22-42): DDVSPYFKTE[Pro32=]VRTQVHLEGN